The following is an entry in ClinVar:

ClinVar aggregate classification (germline): Conflicting classifications of pathogenicity. Review status: criteria provided, conflicting classifications (1 of 4 stars). 5 submissions from 5 submitters: Pathogenic (1); Uncertain significance (2). 2 of the submissions do not count toward it. Last evaluated 2026-08-31.

Conditions:
Alkaptonuria (AKU). Also called: HOMOGENTISIC ACID OXIDASE DEFICIENCY; Alcaptonuria; Homogentisic acidura; Alkaptonuric ochronosis. Identifiers: Orphanet 56, MedGen C0002066, MONDO:0008753, OMIM 203500.

Allele frequency attached by ClinVar (database versions not stated): gnomAD exomes 0.00002.
gnomAD v4.1: 19 of 1,614,132 alleles (0.0012%); highest among the groups gnomAD compares: Non-Finnish European, 0.0016%; no homozygotes.

Submissions (5):

Myriad Genetics, Inc.
Classification: Uncertain significance for Alkaptonuria. Last evaluated: 2026-08-31. Review status: criteria provided, single submitter. Criteria: Myriad Autosomal Dominant, Autosomal Recessive and X-Linked Classification Criteria (2023). Collection method: clinical testing. Allele origin: unknown.
Comment: NM_000187.3(HGD):c.1120G>C(D374H) is a missense variant classified as a variant of uncertain significance in the context of alkaptonuria. D374H has been observed in a case with relevant disease (PMID: 25681086). Relevant functional assessments of this variant are not available in the literature. D374H has not been observed in referenced population frequency databases. In summary, there is insufficient evidence to classify NM_000187.3(HGD):c.1120G>C(D374H) as pathogenic or benign. Please note: this variant was assessed in the context of healthy population screening.

Fulgent Genetics
Classification: Uncertain significance for Alkaptonuria. Last evaluated: 2022-05-16. Review status: criteria provided, single submitter. Criteria: ACMG Guidelines, 2015. Collection method: clinical testing. Allele origin: unknown.

Labcorp Genetics (formerly Invitae), Labcorp
Classification: Pathogenic for Alkaptonuria. Last evaluated: 2021-11-24. Review status: criteria provided, single submitter. Criteria: Invitae Variant Classification Sherloc (09022015). Collection method: clinical testing. Allele origin: germline.
Comment: Advanced modeling of protein sequence and biophysical properties (such as structural, functional, and spatial information, amino acid conservation, physicochemical variation, residue mobility, and thermodynamic stability) performed at Invitae indicates that this missense variant is expected to disrupt HGD protein function. For these reasons, this variant has been classified as Pathogenic. ClinVar contains an entry for this variant (Variation ID: 550232). This sequence change replaces aspartic acid, which is acidic and polar, with histidine, which is basic and polar, at codon 374 of the HGD protein (p.Asp374His). This variant is not present in population databases (gnomAD no frequency). This missense change has been observed in individual(s) with alkaptonuria (PMID: 23430897, 25681086). In at least one individual the data is consistent with being in trans (on the opposite chromosome) from a pathogenic variant.

Counsyl
Classification: Uncertain significance for Alkaptonuria. Last evaluated: 2017-01-09. Review status: no assertion criteria provided. Collection method: clinical testing. Allele origin: unknown. Not counted in ClinVar's aggregate classification.

Department Of Human Genetics, Institute Of Clinical And Translational Research, Biomedical Research Center, Slovak Academy Of Sciences
Classification: Pathogenic for Alkaptonuria. Review status: no assertion criteria provided. Collection method: research. Allele origin: germline. Inheritance: Autosomal recessive inheritance. Affected: yes. Observed: 1 variant allele. Not counted in ClinVar's aggregate classification.
Comment: The variant was originally described in AKU patient in PMID:23430897. It has been submitted to the HGD gene mutation database (DB-ID: AKU_00148).

Literature cited by the submitters: PubMed 25681086 (cited by 3 submitters); PubMed 23430897 (cited by Labcorp Genetics (formerly Invitae), Labcorp and Department Of Human Genetics, Institute Of Clinical And Translational Research, Biomedical Research Center, Slovak Academy Of Sciences).

NM_000187.4(HGD):c.1120G>C (p.Asp374His)

Gene: HGD (homogentisate 1,2-dioxygenase; minus strand). Cytogenetic location: 3q13.33.
Variant type: single nucleotide variant.
Coding change: c.1120G>C on transcript NM_000187.4 (MANE Select); coding-DNA position 1120, G replaced by C.
Protein change: p.Asp374His; replaces aspartic acid 374 with histidine.
Molecular consequence: missense variant.
Genome position (GRCh38, 1-based): chr3:120,633,215, C>G on the plus strand (G>C on the coding strand, the complement: HGD is on the minus strand). VCF-style: chr3-120633215-C-G. GRCh37 (hg19) VCF-style: chr3-120352062-C-G.
Other names: short protein forms D374H.
Identifiers: ClinVar variation 550232 (VCV000550232.9), dbSNP rs981454067, ClinGen allele CA81777915.